The following is an entry in ClinVar:

ClinVar aggregate classification (germline): Uncertain significance (1 of 4 stars; one submission).

gnomAD v4.1: 2 of 1,573,316 alleles (0.00013%); highest among the groups gnomAD compares: Non-Finnish European, 0.00017%; no homozygotes.

Submission:

Labcorp Genetics (formerly Invitae), Labcorp
Classification: Uncertain significance. Last evaluated: 2024-04-15. Review status: criteria provided, single submitter. Criteria: Invitae Variant Classification Sherloc (09022015). Collection method: clinical testing. Allele origin: germline.
Comment: This sequence change creates a premature translational stop signal (p.Cys95*) in the NDUFA11 gene. While this is not anticipated to result in nonsense mediated decay, it is expected to disrupt the last 47 amino acid(s) of the NDUFA11 protein. This variant is not present in population databases (gnomAD no frequency). This variant has not been reported in the literature in individuals affected with NDUFA11-related conditions. ClinVar contains an entry for this variant (Variation ID: 2013815). In summary, the available evidence is currently insufficient to determine the role of this variant in disease. Therefore, it has been classified as a Variant of Uncertain Significance.

NM_175614.5(NDUFA11):c.285C>A (p.Cys95Ter)

Gene: NDUFA11 (NADH:ubiquinone oxidoreductase subunit A11; minus strand). Cytogenetic location: 19p13.3.
Variant type: single nucleotide variant.
Coding change: c.285C>A on transcript NM_175614.5 (MANE Select); coding-DNA position 285, C replaced by A.
Protein change: p.Cys95Ter; replaces cysteine 95 with a stop codon.
Molecular consequence: nonsense. On other transcripts: non-coding transcript variant (1).
Genome position (GRCh38, 1-based): chr19:5,896,481, G>T on the plus strand (C>A on the coding strand, the complement: NDUFA11 is on the minus strand). VCF-style: chr19-5896481-G-T. GRCh37 (hg19) VCF-style: chr19-5896492-G-T.
Other names: c.285C>A, p.Cys95Ter (NM_001193375.3); short protein forms C95*.
Identifiers: ClinVar variation 2013815 (VCV002013815.4), dbSNP rs563276804, ClinGen allele CA403539949.